The following is an entry in ClinVar:

ClinVar aggregate classification (germline): Pathogenic (1 of 4 stars; one submission).

Conditions:
Neuromuscular disease caused by qualitative or quantitative defects of dysferlin. Also called: Qualitative or quantitative defects of dysferlin; Dysferlinopathy. Identifiers: Orphanet 207073, MedGen C2931687, MONDO:0016145.

Submission:

Labcorp Genetics (formerly Invitae), Labcorp
Classification: Pathogenic for Neuromuscular disease caused by qualitative or quantitative defects of dysferlin. Last evaluated: 2026-01-26. Review status: criteria provided, single submitter. Criteria: Invitae Variant Classification Sherloc (09022015). Collection method: clinical testing. Allele origin: germline.
Comment: This sequence change creates a premature translational stop signal (p.Gln120Hisfs*24) in the DYSF gene. It is expected to result in an absent or disrupted protein product. Loss-of-function variants in DYSF are known to be pathogenic (PMID: 17698709, 20301480). This variant is not present in population databases (gnomAD no frequency). This variant has not been reported in the literature in individuals affected with DYSF-related conditions. For these reasons, this variant has been classified as Pathogenic.

Literature cited by the submitters: PubMed 17698709; PubMed 20301480.

NM_001130987.2(DYSF):c.360_370del (p.Gln121fs)

Gene: DYSF (dysferlin; plus strand). Cytogenetic location: 2p13.2.
Variant type: Deletion.
Coding change: c.360_370del on transcript NM_001130987.2 (MANE Select); coding-DNA positions 360 to 370, 11 bases deleted (GCAGGTGTCCT).
Protein change: p.Gln121fs; shifts the reading frame from glutamine 121.
Molecular consequence: frameshift variant.
Genome position (GRCh38, 1-based): chr2:71,511,821-71,511,831, GCAGGTGTCCT deleted; deleting any 11 consecutive bases within chr2:71,511,816-71,511,831 gives the same sequence; the c. name uses the placement nearest the transcript's 3' end. VCF-style (leftmost placement, unchanged base first): chr2-71511815-GGTCCTGCAGGT-G. GRCh37 (hg19) VCF-style: chr2-71738945-GGTCCTGCAGGT-G.
Other names: c.360_370del, p.Gln121fs (NM_001130455.2, NM_001130982.2, NM_001130983.2 and 3 more transcripts); c.357_367del, p.Gln120fs (NM_001130976.2, NM_001130977.2, NM_001130978.2 and 4 more transcripts); short protein forms Q120fs, Q121fs.
Identifiers: ClinVar variation 4736269 (VCV004736269.1).